The following is an entry in ClinVar:

NM_000336.3(SCNN1B):c.1819G>A (p.Glu607Lys)

Gene: SCNN1B (sodium channel epithelial 1 subunit beta; plus strand). Cytogenetic location: 16p12.2.
Variant type: single nucleotide variant.
Coding change: c.1819G>A on transcript NM_000336.3 (MANE Select); coding-DNA position 1819, G replaced by A.
Protein change: p.Glu607Lys; replaces glutamic acid 607 with lysine.
Molecular consequence: missense variant.
Genome position (GRCh38, 1-based): chr16:23,380,697, G>A. VCF-style: chr16-23380697-G-A. GRCh37 (hg19) VCF-style: chr16-23392018-G-A.
Other names: c.1711G>A, p.Glu571Lys (NM_001410900.1); short protein forms E571K, E607K.
Identifiers: ClinVar variation 3017790 (VCV003017790.4), dbSNP rs1418217615, ClinGen allele CA395113972.
Genomic context (GRCh38, chr16:23,380,697, plus strand): 5'-AACTTTGGCTTCCAGCCTGACACGGCCCCCCGCAGCCCCAACACTGGGCCCTACCCCAGT[G>A]AGCAGGCCCTGCCCATCCCAGGCACCCCGCCCCCCAACTATGACTCCCTGCGTCTGCAGC-3'
Protein context (NP_000327.2, residues 597-617): RSPNTGPYPS[Glu607Lys]QALPIPGTPP

ClinVar aggregate classification (germline): Uncertain significance. Review status: criteria provided, multiple submitters, no conflicts (2 of 4 stars). 2 submissions from 2 submitters: Uncertain significance (2). Last evaluated 2024-02-04.

Conditions:
Liddle syndrome 1 (LIDLS1). Also called: PSEUDOALDOSTERONISM. Identifiers: Orphanet 526, MedGen CN031472, MONDO:0020607, OMIM 177200.
Bronchiectasis with or without elevated sweat chloride 1 (BESC1). Also called: Cystic Fibrosis-Like Syndrome. Identifiers: Orphanet 60033, MedGen C2749757, MONDO:0008887, OMIM 211400.
Pseudohypoaldosteronism, type IB2, autosomal recessive (PHA1B2). Identifiers: MedGen C5774255, MONDO:0859317, OMIM 620125.

Allele frequency attached by ClinVar (database versions not stated): gnomAD 0.00001; gnomAD exomes 0.00001.
gnomAD v4.1: 15 of 1,612,346 alleles (0.00093%); highest among the groups gnomAD compares: African/African-American, 0.0027%; no homozygotes.

Submissions (2):

Fulgent Genetics
Classification: Uncertain significance for Liddle syndrome 1; Bronchiectasis with or without elevated sweat chloride 1; Pseudohypoaldosteronism, type IB2, autosomal recessive. Last evaluated: 2024-02-04. Review status: criteria provided, single submitter. Criteria: ACMG Guidelines, 2015. Collection method: clinical testing. Allele origin: germline.

Labcorp Genetics (formerly Invitae), Labcorp
Classification: Uncertain significance. Last evaluated: 2023-06-29. Review status: criteria provided, single submitter. Criteria: Invitae Variant Classification Sherloc (09022015). Collection method: clinical testing. Allele origin: germline.
Comment: This sequence change replaces glutamic acid, which is acidic and polar, with lysine, which is basic and polar, at codon 607 of the SCNN1B protein (p.Glu607Lys). The frequency data for this variant in the population databases is considered unreliable, as metrics indicate poor data quality at this position in the gnomAD database. This variant has not been reported in the literature in individuals affected with SCNN1B-related conditions. An algorithm developed to predict the effect of missense changes on protein structure and function (PolyPhen-2) suggests that this variant is likely to be tolerated. In summary, the available evidence is currently insufficient to determine the role of this variant in disease. Therefore, it has been classified as a Variant of Uncertain Significance.